The following is an entry in ClinVar:

NM_001370259.2(MEN1):c.1256G>T (p.Gly419Val)

Gene: MEN1 (menin 1; minus strand). Cytogenetic location: 11q13.1.
Variant type: single nucleotide variant.
Coding change: c.1256G>T on transcript NM_001370259.2 (MANE Select); coding-DNA position 1256, G replaced by T.
Protein change: p.Gly419Val; replaces glycine 419 with valine.
Molecular consequence: missense variant.
Genome position (GRCh38, 1-based): chr11:64,805,128, C>A on the plus strand (G>T on the coding strand, the complement: MEN1 is on the minus strand). VCF-style: chr11-64805128-C-A. GRCh37 (hg19) VCF-style: chr11-64572600-C-A.
Other names: c.1271G>T, p.Gly424Val (NM_000244.4, NM_130800.3, NM_130801.3 and 3 more transcripts); c.1382G>T, p.Gly461Val (NM_001370251.2); c.1256G>T, p.Gly419Val (NM_001370260.2, NM_001370261.2, NM_130799.3); c.1151G>T, p.Gly384Val (NM_001370262.2, NM_001370263.2); short protein forms G419V, G461V, G424V, G384V.
Identifiers: ClinVar variation 835477 (VCV000835477.9), dbSNP rs1941615895, ClinGen allele CA381180484.

ClinVar aggregate classification (germline): Likely pathogenic (1 of 4 stars; one submission).

Conditions:
Multiple endocrine neoplasia, type 1 (MEN1). Also called: MEA I; MEN I; WERMER SYNDROME; Endocrine adenomatosis multiple; MEN 1. Identifiers: Orphanet 652, MedGen C0025267, MeSH D018761, MONDO:0007540, OMIM 131100.

Submission:

Labcorp Genetics (formerly Invitae), Labcorp
Classification: Likely pathogenic for Multiple endocrine neoplasia, type 1. Last evaluated: 2023-03-23. Review status: criteria provided, single submitter. Criteria: Invitae Variant Classification Sherloc (09022015). Collection method: clinical testing. Allele origin: germline.
Comment: This sequence change replaces glycine, which is neutral and non-polar, with valine, which is neutral and non-polar, at codon 419 of the MEN1 protein (p.Gly419Val). In summary, the currently available evidence indicates that the variant is pathogenic, but additional data are needed to prove that conclusively. Therefore, this variant has been classified as Likely Pathogenic. Advanced modeling of protein sequence and biophysical properties (such as structural, functional, and spatial information, amino acid conservation, physicochemical variation, residue mobility, and thermodynamic stability) performed at Invitae indicates that this missense variant is expected to disrupt MEN1 protein function. ClinVar contains an entry for this variant (Variation ID: 835477). This missense change has been observed in individuals with clinical features of multiple endocrine neoplasia type 1 (PMID: 29497973; Invitae). This variant is not present in population databases (gnomAD no frequency).

Literature cited by the submitters: PubMed 29497973.